The following is an entry in ClinVar:

ClinVar aggregate classification (germline): Benign. Review status: criteria provided, multiple submitters, no conflicts (2 of 4 stars). 11 submissions from 11 submitters: Benign (9). 2 of the submissions do not count toward it. Last evaluated 2026-02-04.

Conditions:
Osteogenesis imperfecta type 7 (OI7). Also called: OSTEOGENESIS IMPERFECTA, TYPE IIB; Osteogenesis imperfecta type 2B; OI type 2B; Osteogenesis imperfecta, perinatal lethal autosomal recessive; OI type IIB; OI type 7. Identifiers: MedGen C1853162, MONDO:0012536, OMIM 610682.

Allele frequency attached by ClinVar (database versions not stated): 1000 Genomes Project 30x 0.29247; 1000 Genomes Project 0.29353; TOPMed 0.34660; gnomAD 0.35978 and 0.36102; gnomAD exomes 0.36931 and 0.40963; ExAC 0.37510; ESP Exome Variant Server 0.38428.
gnomAD v4.1: 652,549 of 1,612,154 alleles (40%); highest among the groups gnomAD compares: Middle Eastern, 51%; 136,984 homozygotes.

Submissions (11):

Labcorp Genetics (formerly Invitae), Labcorp
Classification: Benign for Osteogenesis imperfecta type 7. Last evaluated: 2026-02-04. Review status: criteria provided, single submitter. Criteria: Invitae Variant Classification Sherloc (09022015). Collection method: clinical testing. Allele origin: germline.

ARUP Laboratories, Molecular Genetics and Genomics, ARUP Laboratories
Classification: Benign for Osteogenesis imperfecta type 7. Last evaluated: 2025-06-24. Review status: criteria provided, single submitter. Criteria: ARUP Molecular Germline Variant Investigation Process 2024. Collection method: clinical testing. Allele origin: germline.

Blueprint Genetics
Classification: Benign. Last evaluated: 2024-11-26. Review status: criteria provided, single submitter. Criteria: ACMG Guidelines, 2015. Collection method: clinical testing. Allele origin: germline.

Mayo Clinic Laboratories, Mayo Clinic
Classification: Benign. Last evaluated: 2022-04-26. Review status: criteria provided, single submitter. Criteria: ACMG Guidelines, 2015. Collection method: clinical testing. Allele origin: germline. Observed: 71 variant alleles.

Genome-Nilou Lab
Classification: Benign for Osteogenesis imperfecta type 7. Last evaluated: 2021-07-30. Review status: criteria provided, single submitter. Criteria: ACMG Guidelines, 2015. Collection method: clinical testing. Allele origin: germline. Affected: no.

Illumina Laboratory Services, Illumina
Classification: Benign for Osteogenesis imperfecta type 7. Last evaluated: 2018-01-12. Review status: criteria provided, single submitter. Criteria: ICSL Variant Classification Criteria 13 December 2019. Collection method: clinical testing. Allele origin: germline.
Comment: This variant was observed in the ICSL laboratory as part of a predisposition screen in an ostensibly healthy population. It had not been previously curated by ICSL or reported in the Human Gene Mutation Database (HGMD: prior to June 1st, 2018), and was therefore a candidate for classification through an automated scoring system. Utilizing variant allele frequency, disease prevalence and penetrance estimates, and inheritance mode, an automated score was calculated to assess if this variant is too frequent to cause the disease. Based on the score and internal cut-off values, a variant classified as benign is not then subjected to further curation. The score for this variant resulted in a classification of benign for this disease.

GeneDx
Classification: Benign. Last evaluated: 2016-03-03. Review status: criteria provided, single submitter. Criteria: GeneDx Variant Classification (06012015). Collection method: clinical testing. Allele origin: germline. Affected: yes.
Comment: This variant is considered likely benign or benign based on one or more of the following criteria: it is a conservative change, it occurs at a poorly conserved position in the protein, it is predicted to be benign by multiple in silico algorithms, and/or has population frequency not consistent with disease.

Breakthrough Genomics
Classification: Benign. Review status: criteria provided, single submitter. Criteria: ACMG Guidelines, 2015. Collection method: not provided. Allele origin: germline. Inheritance: Autosomal recessive inheritance. Affected: yes.

PreventionGenetics, part of Exact Sciences
Classification: Benign. Review status: criteria provided, single submitter. Criteria: ACMG Guidelines, 2015. Collection method: clinical testing. Allele origin: germline.

Diagnostic Laboratory, Department of Genetics, University Medical Center Groningen
Classification: Benign for Osteogenesis imperfecta type 7. Review status: no assertion criteria provided. Collection method: clinical testing. Allele origin: germline. Affected: yes. Study: VKGL Data-share Consensus. Not counted in ClinVar's aggregate classification.

Genome Diagnostics Laboratory, Amsterdam University Medical Center
Classification: Benign. Review status: no assertion criteria provided. Collection method: clinical testing. Allele origin: germline. Affected: yes. Study: VKGL Data-share Consensus. Not counted in ClinVar's aggregate classification.

NM_006371.5(CRTAP):c.1044G>A (p.Ser348=)

Gene: CRTAP (cartilage associated protein; plus strand). Cytogenetic location: 3p22.3.
Variant type: single nucleotide variant.
Coding change: c.1044G>A on transcript NM_006371.5 (MANE Select); coding-DNA position 1044, G replaced by A.
Protein change: p.Ser348=; no amino-acid change (serine 348 retained).
Molecular consequence: synonymous variant.
Genome position (GRCh38, 1-based): chr3:33,132,676, G>A. VCF-style: chr3-33132676-G-A. GRCh37 (hg19) VCF-style: chr3-33174168-G-A.
Other names: p.Ser348=; c.1044G>A, p.Ser348= (NM_001393363.1); c.915G>A, p.Ser305= (NM_001393364.1); c.894G>A, p.Ser298= (NM_001393365.1).
Identifiers: ClinVar variation 259969 (VCV000259969.34), dbSNP rs1135128, ClinGen allele CA2300477.